The following is an entry in ClinVar:

ClinVar aggregate classification (germline): Uncertain significance (1 of 4 stars; one submission).

Conditions:
NOTCH2-related disorder. Also called: NOTCH2-related condition.

gnomAD v4.1: 1 of 1,614,066 alleles (0.000062%); no homozygotes.

Submission:

PreventionGenetics, part of Exact Sciences
Classification: Uncertain significance for NOTCH2-related condition. Last evaluated: 2023-01-24. Review status: criteria provided, single submitter. Criteria: ACMG Guidelines, 2015. Collection method: clinical testing. Allele origin: germline.
Comment: The NOTCH2 c.5050G>A variant is predicted to result in the amino acid substitution p.Val1684Ile. To our knowledge, this variant has not been reported in the literature. This variant is reported in 0.0033% of alleles in individuals of South Asian descent in gnomAD. At this time, the clinical significance of this variant is uncertain due to the absence of conclusive functional and genetic evidence.

NM_024408.4(NOTCH2):c.5050G>A (p.Val1684Ile)

Gene: NOTCH2 (notch receptor 2; minus strand). Cytogenetic location: 1p12.
Variant type: single nucleotide variant.
Coding change: c.5050G>A on transcript NM_024408.4 (MANE Select); coding-DNA position 5050, G replaced by A.
Protein change: p.Val1684Ile; replaces valine 1684 with isoleucine.
Molecular consequence: missense variant.
Genome position (GRCh38, 1-based): chr1:119,922,399, C>T on the plus strand (G>A on the coding strand, the complement: NOTCH2 is on the minus strand). VCF-style: chr1-119922399-C-T. GRCh37 (hg19) VCF-style: chr1-120465022-C-T.
Other names: short protein forms V1684I.
Identifiers: ClinVar variation 2630641 (VCV002630641.1), dbSNP rs1284787241, ClinGen allele CA341887126.